The following is an entry in ClinVar:

NM_201384.3(PLEC):c.8202G>A (p.Ala2734=)

Gene: PLEC (plectin; minus strand). Cytogenetic location: 8q24.3.
Variant type: single nucleotide variant.
Coding change: c.8202G>A on transcript NM_201384.3 (MANE Select); coding-DNA position 8202, G replaced by A.
Protein change: p.Ala2734=; no amino-acid change (alanine 2734 retained).
Molecular consequence: synonymous variant.
Genome position (GRCh38, 1-based): chr8:143,921,619, C>T on the plus strand (G>A on the coding strand, the complement: PLEC is on the minus strand). VCF-style: chr8-143921619-C-T. GRCh37 (hg19) VCF-style: chr8-144995787-C-T.
Other names: c.8283G>A, p.Ala2761= (NM_000445.5); c.8160G>A, p.Ala2720= (NM_201378.4); c.8136G>A, p.Ala2712= (NM_201379.3); c.8613G>A, p.Ala2871= (NM_201380.4); c.8106G>A, p.Ala2702= (NM_201381.3); c.8202G>A, p.Ala2734= (NM_201382.4); c.8214G>A, p.Ala2738= (NM_201383.3); c.8283G>A (NM_000445.4).
Identifiers: ClinVar variation 510648 (VCV000510648.14), dbSNP rs782252692, ClinGen allele CA4925397.

ClinVar aggregate classification (germline): Conflicting classifications of pathogenicity. Review status: criteria provided, conflicting classifications (1 of 4 stars). 5 submissions from 5 submitters: Uncertain significance (1); Likely benign (4). Last evaluated 2025-12-30.

Conditions:
PLEC-related disorder. Also called: PLEC-related condition; PLEC-related disorders.
Autosomal recessive limb-girdle muscular dystrophy type 2Q (LGMDR17). Also called: MUSCULAR DYSTROPHY, LIMB-GIRDLE, AUTOSOMAL RECESSIVE 17. Identifiers: Orphanet 254361, MedGen C3150989, MONDO:0013390, OMIM 613723.
Epidermolysis bullosa simplex 5B, with muscular dystrophy (EBS5B). Also called: EPIDERMOLYSIS BULLOSA SIMPLEX AND LIMB-GIRDLE MUSCULAR DYSTROPHY; Epidermolysis bullosa simplex with muscular dystrophy. Identifiers: Orphanet 257, MedGen C2931072, MONDO:0009181, OMIM 226670.
Epidermolysis bullosa simplex, Ogna type (EBS5A). Also called: Pidermolysis bullosa simplex 5A, Ogna type; EPIDERMOLYSIS BULLOSA SIMPLEX 5A, OGNA TYPE. Identifiers: Orphanet 79401, MedGen C0432317, MONDO:0007555, OMIM 131950.
Epidermolysis bullosa simplex with nail dystrophy (EBS5D). Identifiers: MedGen C4225309, MONDO:0014661, OMIM 616487.
Epidermolysis bullosa simplex 5C, with pyloric atresia (EBS5C). Also called: PLEC-Related Epidermolysis Bullosa with Pyloric Atresia; Epidermolysis bullosa simplex with pyloric atresia; PLEC1-Related Epidermolysis Bullosa with Pyloric Atresia. Identifiers: Orphanet 158684, MedGen C2677349, MONDO:0012807, OMIM 612138.

Allele frequency attached by ClinVar (database versions not stated): gnomAD 0.00001; gnomAD exomes 0.00004; TOPMed 0.00004; ExAC 0.00007.
gnomAD v4.1: 40 of 1,612,764 alleles (0.0025%); highest among the groups gnomAD compares: South Asian, 0.019%; no homozygotes.

Submissions (5):

PreventionGenetics, part of Exact Sciences
Classification: Likely benign for PLEC-related condition. Last evaluated: 2025-12-30. Review status: criteria provided, single submitter. Criteria: ACMG Guidelines, 2015. Collection method: clinical testing. Allele origin: germline.
Comment: This variant is classified as likely benign based on ACMG/AMP sequence variant interpretation guidelines (Richards et al. 2015 PMID: 25741868, with internal and published modifications).

Labcorp Genetics (formerly Invitae), Labcorp
Classification: Likely benign for Autosomal recessive limb-girdle muscular dystrophy type 2Q; Epidermolysis bullosa simplex, Ogna type; Epidermolysis bullosa simplex with nail dystrophy; Epidermolysis bullosa simplex 5C, with pyloric atresia; Epidermolysis bullosa simplex 5B, with muscular dystrophy. Last evaluated: 2025-11-24. Review status: criteria provided, single submitter. Criteria: Invitae Variant Classification Sherloc (09022015). Collection method: clinical testing. Allele origin: germline.

Blueprint Genetics
Classification: Likely benign. Last evaluated: 2024-06-06. Review status: criteria provided, single submitter. Criteria: ACMG Guidelines, 2015. Collection method: clinical testing. Allele origin: germline.

Eurofins Ntd Llc (ga)
Classification: Uncertain significance. Last evaluated: 2018-07-03. Review status: criteria provided, single submitter. Criteria: EGL ClinVar v180209 classification definitions. Collection method: clinical testing. Allele origin: germline. Observed: 2 variant alleles, 2 heterozygotes.

GeneDx
Classification: Likely benign. Last evaluated: 2017-07-07. Review status: criteria provided, single submitter. Criteria: GeneDx Variant Classification (06012015). Collection method: clinical testing. Allele origin: germline. Affected: yes.
Comment: This variant is considered likely benign or benign based on one or more of the following criteria: it is a conservative change, it occurs at a poorly conserved position in the protein, it is predicted to be benign by multiple in silico algorithms, and/or has population frequency not consistent with disease.